The following is an entry in ClinVar:

NC_000005.10:g.(?_35867286)_(35867483_?)del

Gene: IL7R (interleukin 7 receptor; plus strand). Cytogenetic location: 5p13.2.
Variant type: Deletion.
Identifiers: ClinVar variation 533085 (VCV000533085.3).

ClinVar aggregate classification (germline): Pathogenic (1 of 4 stars; one submission).

Conditions:
Immunodeficiency 104. Also called: Severe combined immunodeficiency, autosomal recessive, T cell-negative, B cell-positive, NK cell-positive; SCID, AUTOSOMAL RECESSIVE, T CELL-NEGATIVE, B CELL-POSITIVE, NK CELL-POSITIVE; Severe Combined Immune Deficiency, Autosomal Recessive, TCell -Negative, B Cell-Positive, NK Cell-Positive, IL7R-Related; IMMUNODEFICIENCY 104, SEVERE COMBINED. Identifiers: MedGen C5676890, MONDO:0012163, OMIM 608971.

Submission:

Labcorp Genetics (formerly Invitae), Labcorp
Classification: Pathogenic for Severe combined immunodeficiency, autosomal recessive, T cell-negative, B cell-positive, NK cell-positive. Last evaluated: 2019-12-23. Review status: criteria provided, single submitter. Criteria: Invitae Variant Classification Sherloc (09022015). Collection method: clinical testing. Allele origin: germline.
Comment: This variant is an out-of-frame deletion of the genomic region encompassing exon 3 of the IL7R gene. This is expected to create a premature translational stop signal and result in an absent or disrupted protein product. This variant has been reported in combination with other pathogenic IL7R variants in several individuals affected with severe combined immunodeficiency (SCID) (PMID: 25046553, 27807805, Invitae). Loss-of-function variants in IL7R are known to be pathogenic (PMID: 21664875, 26123418). For these reasons, this variant has been classified as Pathogenic.

Literature cited by the submitters: PubMed 27807805; PubMed 25046553.